The following is an entry in ClinVar:

ClinVar aggregate classification (germline): Uncertain significance. Review status: criteria provided, multiple submitters, no conflicts (2 of 4 stars). 3 submissions from 3 submitters: Uncertain significance (3). Last evaluated 2026-01-26.

Conditions:
Hereditary cancer-predisposing syndrome. Also called: Tumor predisposition; Neoplastic Syndromes, Hereditary; Hereditary neoplastic syndrome; Hereditary Cancer Syndrome. Identifiers: Orphanet 140162, MedGen C0027672, MeSH D009386, MONDO:0015356.

Allele frequency attached by ClinVar (database versions not stated): gnomAD 0.00001.

Submissions (3):

Labcorp Genetics (formerly Invitae), Labcorp
Classification: Uncertain significance. Last evaluated: 2026-01-26. Review status: criteria provided, single submitter. Criteria: Invitae Variant Classification Sherloc (09022015). Collection method: clinical testing. Allele origin: germline.
Comment: This sequence change replaces glutamine, which is neutral and polar, with lysine, which is basic and polar, at codon 171 of the CTNNA1 protein (p.Gln171Lys). This variant is present in population databases (no rsID available, gnomAD 0.01%). This variant has not been reported in the literature in individuals affected with CTNNA1-related conditions. ClinVar contains an entry for this variant (Variation ID: 849002). Invitae Evidence Modeling of protein sequence and biophysical properties (such as structural, functional, and spatial information, amino acid conservation, physicochemical variation, residue mobility, and thermodynamic stability) indicates that this missense variant is not expected to disrupt CTNNA1 protein function with a negative predictive value of 80%. In summary, the available evidence is currently insufficient to determine the role of this variant in disease. Therefore, it has been classified as a Variant of Uncertain Significance.

Ambry Genetics
Classification: Uncertain significance for Hereditary cancer-predisposing syndrome. Last evaluated: 2023-08-08. Review status: criteria provided, single submitter. Criteria: Ambry Variant Classification Scheme 2023. Collection method: clinical testing. Allele origin: germline.
Comment: The p.Q171K variant (also known as c.511C>A), located in coding exon 4 of the CTNNA1 gene, results from a C to A substitution at nucleotide position 511. The glutamine at codon 171 is replaced by lysine, an amino acid with similar properties. This amino acid position is highly conserved in available vertebrate species. In addition, the in silico prediction for this alteration is inconclusive. The evidence for this gene-disease relationship is limited; therefore, the clinical significance of this alteration is unclear.

GeneDx
Classification: Uncertain significance. Last evaluated: 2023-05-25. Review status: criteria provided, single submitter. Criteria: GeneDx Variant Classification Process June 2021. Collection method: clinical testing. Allele origin: germline. Affected: yes.
Comment: In silico analysis supports that this missense variant does not alter protein structure/function; This variant is associated with the following publications: (PMID: 32051609)

NM_001903.5(CTNNA1):c.511C>A (p.Gln171Lys)

Gene: CTNNA1 (catenin alpha 1; plus strand). Cytogenetic location: 5q31.2.
Variant type: single nucleotide variant.
Coding change: c.511C>A on transcript NM_001903.5 (MANE Select); coding-DNA position 511, C replaced by A.
Protein change: p.Gln171Lys; replaces glutamine 171 with lysine.
Molecular consequence: missense variant.
Genome position (GRCh38, 1-based): chr5:138,812,225, C>A. VCF-style: chr5-138812225-C-A. GRCh37 (hg19) VCF-style: chr5-138147914-C-A.
Other names: c.511C>A (NM_001903.2); c.511C>A, p.Gln171Lys (NM_001290307.3, NM_001323982.2, NM_001323983.1 and 3 more transcripts); c.202C>A, p.Gln68Lys (NM_001290309.3); c.142C>A, p.Gln48Lys (NM_001290310.3); short protein forms Q171K, Q48K, Q68K.
Identifiers: ClinVar variation 849002 (VCV000849002.12), dbSNP rs774590663, ClinGen allele CA361125163.